The following is an entry in ClinVar:

NM_000051.4(ATM):c.8691C>T (p.Gly2897=)

Genes: ATM (ATM serine/threonine kinase; plus strand), C11orf65 (chromosome 11 open reading frame 65; minus strand). Cytogenetic location: 11q22.3.
Variant type: single nucleotide variant.
Coding change: c.8691C>T on transcript NM_000051.4 (MANE Select); coding-DNA position 8691, C replaced by T.
Protein change: p.Gly2897=; no amino-acid change (glycine 2897 retained).
Molecular consequence: synonymous variant. On other transcripts: intron variant (2).
Genome position (GRCh38, 1-based): chr11:108,353,785, C>T. VCF-style: chr11-108353785-C-T. GRCh37 (hg19) VCF-style: chr11-108224512-C-T.
Other names: c.8691C>T, p.Gly2897= (NM_001351834.2); c.640+32135G>A (NM_001330368.2); c.695-18493G>A (NM_001351110.2).
Identifiers: ClinVar variation 3254032 (VCV003254032.1), dbSNP rs1555142814.

ClinVar aggregate classification (germline): Benign (1 of 4 stars; one submission).

Conditions:
Familial cancer of breast. Also called: hereditary breast carcinoma; BREAST CANCER, FAMILIAL; Hereditary breast cancer. Identifiers: Orphanet 227535, MedGen C0346153, MONDO:0016419, OMIM 114480. Disease mechanism: loss of function.

Allele frequency attached by ClinVar (database versions not stated): gnomAD 0.00001.
gnomAD v4.1: 1 of 1,613,798 alleles (0.000062%); highest among the groups gnomAD compares: African/African-American, 0.0013%; no homozygotes.

Submission:

Myriad Genetics, Inc.
Classification: Benign for Familial cancer of breast. Last evaluated: 2024-06-20. Review status: criteria provided, single submitter. Criteria: Myriad Autosomal Dominant, Autosomal Recessive and X-Linked Classification Criteria (2023). Collection method: clinical testing. Allele origin: unknown.
Comment: This variant is considered benign. This variant is a silent/synonymous amino acid change and it is not expected to impact splicing.